The following is an entry in ClinVar:

NM_032656.4(DHX37):c.2330_2331inv (p.Thr777Met)

Gene: DHX37 (DEAH-box helicase 37; minus strand). Cytogenetic location: 12q24.31.
Variant type: Inversion.
Coding change: c.2330_2331inv on transcript NM_032656.4 (MANE Select).
Protein change: p.Thr777Met; replaces threonine 777 with methionine.
Molecular consequence: missense variant.
Genome position: GRCh38 VCF-style: chr12-124956813-TG-CA. GRCh37 (hg19) VCF-style: chr12-125441359-TG-CA.
Other names: short protein forms T777M.
Identifiers: ClinVar variation 3361438 (VCV003361438.1).

ClinVar aggregate classification (germline): Uncertain significance (1 of 4 stars; one submission).

Submission:

GeneDx
Classification: Uncertain significance. Last evaluated: 2023-07-26. Review status: criteria provided, single submitter. Criteria: GeneDx Variant Classification Process June 2021. Collection method: clinical testing. Allele origin: germline. Affected: yes.
Comment: Not observed at significant frequency in large population cohorts (gnomAD); In silico analysis supports a deleterious effect on protein structure/function; Has not been previously published as pathogenic or benign to our knowledge